The following is an entry in ClinVar:

NM_001177316.2(SLC34A3):c.1094-59G>A

Gene: SLC34A3 (solute carrier family 34 member 3; plus strand). Cytogenetic location: 9q34.3.
Variant type: single nucleotide variant.
Coding change: c.1094-59G>A on transcript NM_001177316.2 (MANE Select); 59 bases into the intron before coding-DNA position 1094, G replaced by A.
Molecular consequence: intron variant.
Genome position (GRCh38, 1-based): chr9:137,234,357, G>A. VCF-style: chr9-137234357-G-A. GRCh37 (hg19) VCF-style: chr9-140128809-G-A.
Other names: c.1094-59G>A (NM_001177317.2, NM_080877.3).
Identifiers: ClinVar variation 4979616 (VCV004979616.1).
Genomic context (GRCh38, chr9:137,234,357, plus strand): 5'-GCGGTGGCCAGGGCTGACCCAGCATCCCCCATAGACTTCCCCTTCCCACCAGGCTGACTC[G>A]GGGGCTACCTGGCCCTCCTTGTGGGCGCTGGCCAGGGCTGACCCGGCATCCCCCACAGAC-3'

ClinVar aggregate classification (germline): Likely benign (1 of 4 stars; one submission).

Conditions:
SLC34A3-related disorder. Also called: SLC34A3-related condition.

gnomAD v4.1: 32 of 1,598,948 alleles (0.002%); highest among the groups gnomAD compares: East Asian, 0.0045%; no homozygotes.

Submission:

PreventionGenetics, part of Exact Sciences
Classification: Likely benign for SLC34A3-related condition. Last evaluated: 2025-07-16. Review status: criteria provided, single submitter. Criteria: ACMG Guidelines, 2015. Collection method: clinical testing. Allele origin: germline.
Comment: This variant is classified as likely benign based on ACMG/AMP sequence variant interpretation guidelines (Richards et al. 2015 PMID: 25741868, with internal and published modifications).